The following is an entry in ClinVar:

NM_001845.6(COL4A1):c.76G>A (p.Ala26Thr)

Gene: COL4A1 (collagen type IV alpha 1 chain; minus strand). Cytogenetic location: 13q34.
Variant type: single nucleotide variant.
Coding change: c.76G>A on transcript NM_001845.6 (MANE Select); coding-DNA position 76, G replaced by A.
Protein change: p.Ala26Thr; replaces alanine 26 with threonine.
Molecular consequence: missense variant.
Genome position (GRCh38, 1-based): chr13:110,306,952, C>T on the plus strand (G>A on the coding strand, the complement: COL4A1 is on the minus strand). VCF-style: chr13-110306952-C-T. GRCh37 (hg19) VCF-style: chr13-110959299-C-T.
Other names: c.76G>A, p.Ala26Thr (NM_001303110.2); short protein forms A26T.
Identifiers: ClinVar variation 4746064 (VCV004746064.1).
Genomic context (GRCh38, chr13:110,306,952, plus strand): 5'-GGCGCCCAAGCTCGGGGCGGGACGCCGGGAGCGGAGCTGGCCGGGAACTCACCTTCGCAG[C>T]GGCCCGGCTGTGCTCCTCGTGGAGCAGAAGGGCGGCGGGCAGCAGCAGCAGCCAGACGCT-3'
Protein context (NP_001836.3, residues 16-36): LLLHEEHSRA[Ala26Thr]AKGGCAGSGC

ClinVar aggregate classification (germline): Uncertain significance (1 of 4 stars; one submission).

Submission:

Labcorp Genetics (formerly Invitae), Labcorp
Classification: Uncertain significance. Last evaluated: 2025-03-11. Review status: criteria provided, single submitter. Criteria: Invitae Variant Classification Sherloc (09022015). Collection method: clinical testing. Allele origin: germline.
Comment: This sequence change replaces alanine, which is neutral and non-polar, with threonine, which is neutral and polar, at codon 26 of the COL4A1 protein (p.Ala26Thr). This variant is not present in population databases (gnomAD no frequency). This variant has not been reported in the literature in individuals affected with COL4A1-related conditions. Invitae Evidence Modeling of protein sequence and biophysical properties (such as structural, functional, and spatial information, amino acid conservation, physicochemical variation, residue mobility, and thermodynamic stability) indicates that this missense variant is not expected to disrupt COL4A1 protein function with a negative predictive value of 80%. In summary, the available evidence is currently insufficient to determine the role of this variant in disease. Therefore, it has been classified as a Variant of Uncertain Significance.